The following is an entry in ClinVar:

NM_001715.3(BLK):c.424A>G (p.Ile142Val)

Genes: BLK (BLK proto-oncogene, Src family tyrosine kinase), LOC126860303 (CDK7 strongly-dependent group 2 enhancer GRCh37_chr8:11407118-11408317). Cytogenetic location: 8p23.1.
Variant type: single nucleotide variant.
Coding change: c.424A>G on transcript NM_001715.3 (MANE Select); coding-DNA position 424, A replaced by G.
Protein change: p.Ile142Val; replaces isoleucine 142 with valine.
Molecular consequence: missense variant.
Genome position (GRCh38, 1-based): chr8:11,550,214, A>G. VCF-style: chr8-11550214-A-G. GRCh37 (hg19) VCF-style: chr8-11407723-A-G.
Other names: c.211A>G, p.Ile71Val (NM_001330465.2); short protein forms I142V, I71V.
Identifiers: ClinVar variation 361480 (VCV000361480.10), dbSNP rs562247916, ClinGen allele CA4629874.

ClinVar aggregate classification (germline): Benign/Likely benign. Review status: criteria provided, multiple submitters, no conflicts (2 of 4 stars). 3 submissions from 3 submitters: Benign (2); Likely benign (1). Last evaluated 2025-12-19.

Conditions:
Maturity-onset diabetes of the young type 11. Identifiers: Orphanet 552, MedGen C3150618, MONDO:0013242, OMIM 613375.

Allele frequency attached by ClinVar (database versions not stated): gnomAD exomes 0.00008 and 0.00051; TOPMed 0.00019; 1000 Genomes Project 0.00020; gnomAD 0.00021 and 0.00022; 1000 Genomes Project 30x 0.00031; ExAC 0.00039.
gnomAD v4.1: 149 of 1,614,116 alleles (0.0092%); highest among the groups gnomAD compares: East Asian, 0.26%; no homozygotes.

Submissions (3):

Labcorp Genetics (formerly Invitae), Labcorp
Classification: Benign. Last evaluated: 2025-12-19. Review status: criteria provided, single submitter. Criteria: Invitae Variant Classification Sherloc (09022015). Collection method: clinical testing. Allele origin: germline.

Fulgent Genetics
Classification: Likely benign for Maturity-onset diabetes of the young type 11. Last evaluated: 2021-07-19. Review status: criteria provided, single submitter. Criteria: ACMG Guidelines, 2015. Collection method: clinical testing. Allele origin: unknown.

Illumina Laboratory Services, Illumina
Classification: Benign for Maturity-onset diabetes of the young type 11. Last evaluated: 2018-01-13. Review status: criteria provided, single submitter. Criteria: ICSL Variant Classification Criteria 13 December 2019. Collection method: clinical testing. Allele origin: germline.
Comment: This variant was observed in the ICSL laboratory as part of a predisposition screen in an ostensibly healthy population. It had not been previously curated by ICSL or reported in the Human Gene Mutation Database (HGMD: prior to June 1st, 2018), and was therefore a candidate for classification through an automated scoring system. Utilizing variant allele frequency, disease prevalence and penetrance estimates, and inheritance mode, an automated score was calculated to assess if this variant is too frequent to cause the disease. Based on the score and internal cut-off values, a variant classified as benign is not then subjected to further curation. The score for this variant resulted in a classification of benign for this disease.